The following is an entry in ClinVar:

ClinVar aggregate classification (germline): Pathogenic (1 of 4 stars; one submission).

Conditions:
Alport syndrome. Also called: Hemorrhagic familial nephritis; Hemorrhagic hereditary nephritis; Congenital hereditary hematuria. Identifiers: Orphanet 63, MedGen C1567741, MONDO:0018965.

Submission:

Molecular Genetics, Royal Melbourne Hospital
Classification: Pathogenic for Alport syndrome. Last evaluated: 2024-07-04. Review status: criteria provided, single submitter. Criteria: ACMG Guidelines, 2015. Collection method: clinical testing. Allele origin: germline. Inheritance: Semidominant inheritance. Affected: yes.
Comment: This sequence change in COL4A4 is a frameshift variant predicted to cause a premature stop codon, p.(Ile123Hisfs*25), in biologically relevant exon 7 of 48 leading to nonsense-mediated decay in a gene in which loss of function is an established disease mechanism (PMID: 20301386). This variant is absent from the population database gnomAD v4.1. To our knowledge, this variant has not been previously reported in the relevant scientific literature or databases. Based on the classification scheme RMH Modified ACMG/AMP Guidelines v1.6.1, this variant is classified as PATHOGENIC. Following criteria are met: PVS1, PM2_Supporting, PS4_Supporting.

Literature cited by the submitters: PubMed 20301386.

NM_000092.5(COL4A4):c.365dup (p.Ile123fs)

Gene: COL4A4 (collagen type IV alpha 4 chain; minus strand). Cytogenetic location: 2q36.3.
Variant type: Duplication.
Coding change: c.365dup on transcript NM_000092.5 (MANE Select); coding-DNA position 365, one base duplicated (G; older notation c.365dupG).
Protein change: p.Ile123fs; shifts the reading frame from isoleucine 123.
Molecular consequence: frameshift variant.
Genome position (GRCh38, 1-based): chr2:227,119,902, C duplicated on the plus strand (G on the coding strand, the reverse complement: COL4A4 is on the minus strand); the first of 2 consecutive C bases (chr2:227,119,902-227,119,903); duplicating either gives the same sequence. VCF-style (leftmost placement, unchanged base first): chr2-227119901-G-GC. GRCh37 (hg19) VCF-style: chr2-227984617-G-GC.
Other names: c.365dupG (NM_000092.5); short protein forms I123fs.
Identifiers: ClinVar variation 3773790 (VCV003773790.1).